The following is an entry in ClinVar:

NM_000059.4(BRCA2):c.2105_2106del (p.Ile702fs)

Gene: BRCA2 (BRCA2 DNA repair associated; plus strand). Cytogenetic location: 13q13.1.
Variant type: Deletion.
Coding change: c.2105_2106del on transcript NM_000059.4 (MANE Select); coding-DNA positions 2105 to 2106, 2 bases deleted (TT; older notation c.2105_2106delTT).
Protein change: p.Ile702fs; shifts the reading frame from isoleucine 702.
Molecular consequence: frameshift variant.
Genome position (GRCh38, 1-based): chr13:32,336,460-32,336,461, TT deleted. VCF-style (leftmost placement, unchanged base first): chr13-32336459-ATT-A. GRCh37 (hg19) VCF-style: chr13-32910596-ATT-A.
Other names: c.2105_2106del (NM_000059.3); c.2105_2106delTT (NM_000059.3); short protein forms I702fs.
Identifiers: ClinVar variation 485416 (VCV000485416.15), dbSNP rs1555282454, ClinGen allele CA658656357.

ClinVar aggregate classification (germline): Pathogenic/Likely pathogenic. Review status: criteria provided, multiple submitters, no conflicts (2 of 4 stars). 5 submissions from 5 submitters: Pathogenic (3); Likely pathogenic (2). Last evaluated 2025-05-05.

Conditions:
Hereditary cancer-predisposing syndrome. Also called: Hereditary Cancer Syndrome; Neoplastic Syndromes, Hereditary; Tumor predisposition; Hereditary neoplastic syndrome. Identifiers: Orphanet 140162, MedGen C0027672, MeSH D009386, MONDO:0015356.
Hereditary breast ovarian cancer syndrome. Also called: BRCA1- and BRCA2-Associated Hereditary Breast and Ovarian Cancer; Breast and ovarian cancer; Hereditary breast and ovarian cancer; Hereditary breast and/or ovarian cancer syndrome; Hereditary breast and ovarian cancer syndrome; Hereditary breast and ovarian cancer syndrome (HBOC). Identifiers: Orphanet 145, MedGen C0677776, MeSH D061325, MONDO:0003582. Disease mechanism: loss of function.
BRCA2-related cancer predisposition. Identifiers: MedGen CN377758, MONDO:0700269.

Submissions (5):

Labcorp Genetics (formerly Invitae), Labcorp
Classification: Pathogenic for Hereditary breast ovarian cancer syndrome. Last evaluated: 2025-05-05. Review status: criteria provided, single submitter. Criteria: Invitae Variant Classification Sherloc (09022015). Collection method: clinical testing. Allele origin: germline.
Comment: This sequence change creates a premature translational stop signal (p.Ile702Asnfs*5) in the BRCA2 gene. It is expected to result in an absent or disrupted protein product. Loss-of-function variants in BRCA2 are known to be pathogenic (PMID: 20104584). This variant is not present in population databases (gnomAD no frequency). This variant has not been reported in the literature in individuals affected with BRCA2-related conditions. ClinVar contains an entry for this variant (Variation ID: 485416). For these reasons, this variant has been classified as Pathogenic.

Quest Diagnostics Nichols Institute San Juan Capistrano
Classification: Likely pathogenic. Last evaluated: 2025-02-05. Review status: criteria provided, single submitter. Criteria: Quest Diagnostics criteria. Collection method: clinical testing. Allele origin: unknown.
Comment: The BRCA2 c.2105_2106del (p.Ile702Asnfs*5) variant alters the translational reading frame of the BRCA2 mRNA and is predicted to cause the premature termination of BRCA2 protein synthesis. In the published literature, this variant has been reported in an individual with a personal or family history of unspecified cancer (PMID: 31853058 (2020)). This variant has not been reported in large, multi-ethnic general populations (Genome Aggregation Database). Based on the available information, this variant is classified as likely pathogenic.

Ambry Genetics
Classification: Pathogenic for Hereditary cancer-predisposing syndrome. Last evaluated: 2023-03-14. Review status: criteria provided, single submitter. Criteria: Ambry Variant Classification Scheme 2023. Collection method: clinical testing. Allele origin: germline.
Comment: The c.2105_2106delTT pathogenic mutation, located in coding exon 10 of the BRCA2 gene, results from a deletion of two nucleotides at nucleotide positions 2105 to 2106, causing a translational frameshift with a predicted alternate stop codon (p.I702Nfs*5). This alteration is expected to result in loss of function by premature protein truncation or nonsense-mediated mRNA decay. This variant is considered to be rare based on population cohorts in the Genome Aggregation Database (gnomAD). As such, this alteration is interpreted as a disease-causing mutation.

Color Diagnostics, LLC DBA Color Health
Classification: Pathogenic for Hereditary cancer-predisposing syndrome. Last evaluated: 2022-12-21. Review status: criteria provided, single submitter. Criteria: ACMG Guidelines, 2015. Collection method: clinical testing. Allele origin: germline.
Comment: This variant deletes 2 nucleotides in exon 11 of the BRCA2 gene, creating a frameshift and premature translation stop signal. This variant is expected to result in an absent or non-functional protein product. To our knowledge, this variant has not been reported in individuals affected with BRCA2-related disorders in the literature. This variant has not been identified in the general population by the Genome Aggregation Database (gnomAD). Loss of BRCA2 function is a known mechanism of disease. Based on the available evidence, this variant is classified as Pathogenic.

University Health Network, Familial Cancer Clinic, Princess Margaret Cancer Centre
Classification: Likely pathogenic for BRCA2-related cancer predisposition. Review status: criteria provided, single submitter. Criteria: ACMG Guidelines, 2015. Collection method: clinical testing. Allele origin: germline. Inheritance: Autosomal dominant inheritance. Affected: yes. Observed: 1 variant allele.

Literature cited by the submitters: PubMed 20104584 (cited by Labcorp Genetics (formerly Invitae), Labcorp); PubMed 31853058 (cited by Quest Diagnostics Nichols Institute San Juan Capistrano).